The following is an entry in ClinVar:

NM_002618.4(PEX13):c.1138G>T (p.Val380Phe)

Gene: PEX13 (peroxisomal biogenesis factor 13; plus strand). Cytogenetic location: 2p15.
Variant type: single nucleotide variant.
Coding change: c.1138G>T on transcript NM_002618.4 (MANE Select); coding-DNA position 1138, G replaced by T.
Protein change: p.Val380Phe; replaces valine 380 with phenylalanine.
Molecular consequence: missense variant.
Genome position (GRCh38, 1-based): chr2:61,048,696, G>T. VCF-style: chr2-61048696-G-T. GRCh37 (hg19) VCF-style: chr2-61275831-G-T.
Other names: short protein forms V380F.
Identifiers: ClinVar variation 1716448 (VCV001716448.3), dbSNP rs1559047346, ClinGen allele CA346950211.
Genomic context (GRCh38, chr2:61,048,696, plus strand): 5'-CTAACTAAAGGAGCCACGGTTGCTGATTCTTTGGATGAACAGGAAGCTGCCTTTGAATCT[G>T]TTTTTGTTGAAACTAATAAGGTTCCAGTTGCACCTGATTCCATTGGGAAAGATGGAGAAA-3'
Protein context (NP_002609.1, residues 370-390): LDEQEAAFES[Val380Phe]FVETNKVPVA

ClinVar aggregate classification (germline): Uncertain significance (1 of 4 stars; one submission).

Conditions:
Peroxisome biogenesis disorder 11A (Zellweger). Also called: Peroxisome biogenesis disorder 11A. Identifiers: Orphanet 912, MedGen C3554000, MONDO:0013949, OMIM 614883.

Submission:

Labcorp Genetics (formerly Invitae), Labcorp
Classification: Uncertain significance for Peroxisome biogenesis disorder 11A (Zellweger). Last evaluated: 2022-08-14. Review status: criteria provided, single submitter. Criteria: Invitae Variant Classification Sherloc (09022015). Collection method: clinical testing. Allele origin: germline.
Comment: This sequence change replaces valine, which is neutral and non-polar, with phenylalanine, which is neutral and non-polar, at codon 380 of the PEX13 protein (p.Val380Phe). This variant is not present in population databases (gnomAD no frequency). This variant has not been reported in the literature in individuals affected with PEX13-related conditions. Algorithms developed to predict the effect of missense changes on protein structure and function (SIFT, PolyPhen-2, Align-GVGD) all suggest that this variant is likely to be tolerated. In summary, the available evidence is currently insufficient to determine the role of this variant in disease. Therefore, it has been classified as a Variant of Uncertain Significance.